The following is an entry in ClinVar:

NM_000093.5(COL5A1):c.1998C>T (p.Asp666=)

Gene: COL5A1 (collagen type V alpha 1 chain; plus strand). Cytogenetic location: 9q34.3.
Variant type: single nucleotide variant.
Coding change: c.1998C>T on transcript NM_000093.5 (MANE Select); coding-DNA position 1998, C replaced by T.
Protein change: p.Asp666=; no amino-acid change (aspartic acid 666 retained).
Molecular consequence: synonymous variant.
Genome position (GRCh38, 1-based): chr9:134,763,701, C>T. VCF-style: chr9-134763701-C-T. GRCh37 (hg19) VCF-style: chr9-137655547-C-T.
Other names: p.D666D:GAC>GAT; c.1998C>T, p.Asp666= (NM_001278074.1).
Identifiers: ClinVar variation 212888 (VCV000212888.22), dbSNP rs143858735, ClinGen allele CA319989.

ClinVar aggregate classification (germline): Benign/Likely benign. Review status: criteria provided, multiple submitters, no conflicts (2 of 4 stars). 9 submissions from 8 submitters: Benign (6); Likely benign (3). Last evaluated 2026-03-27.

Conditions:
Fibromuscular dysplasia, multifocal. Identifiers: MedGen C5543412, MONDO:0859151, OMIM 619329.
Ehlers-Danlos syndrome, classic type, 1 (EDSCL1). Also called: Ehlers-Danlos syndrome, type 1; EHLERS-DANLOS SYNDROME, GRAVIS TYPE; EHLERS-DANLOS SYNDROME, SEVERE CLASSIC TYPE; Ehlers-Danlos Syndrome, Classic Type, COL5A1-Related; EDS I. Identifiers: MedGen C0268335, MONDO:0019567, OMIM 130000.
Familial thoracic aortic aneurysm and aortic dissection (TAAD). Also called: Thoracic aortic aneurysms and dissections. Identifiers: Orphanet 91387, MedGen C4707243, MONDO:0019625.

Allele frequency attached by ClinVar (database versions not stated): TOPMed 0.00003; ESP Exome Variant Server 0.00008; 1000 Genomes Project 30x 0.00016; 1000 Genomes Project 0.00020; gnomAD exomes 0.00026 and 0.00072; ExAC 0.00056; gnomAD 0.00066 and 0.00071.
gnomAD v4.1: 486 of 1,613,656 alleles (0.03%); highest among the groups gnomAD compares: Admixed American, 0.01%; 2 homozygotes.

Submissions (9):

Molecular Diagnostic Laboratory for Inherited Cardiovascular Disease, Montreal Heart Institute
Classification: Likely benign. Last evaluated: 2026-03-27. Review status: criteria provided, single submitter. Criteria: ACMG Guidelines, 2015. Collection method: clinical testing. Allele origin: germline. Affected: no.

Women's Health and Genetics/Laboratory Corporation of America, LabCorp
Classification: Benign. Last evaluated: 2026-03-27. Review status: criteria provided, single submitter. Criteria: LabCorp Variant Classification Summary - May 2015. Collection method: clinical testing. Allele origin: germline.

Labcorp Genetics (formerly Invitae), Labcorp
Classification: Benign for Ehlers-Danlos syndrome, classic type, 1. Last evaluated: 2025-10-22. Review status: criteria provided, single submitter. Criteria: Invitae Variant Classification Sherloc (09022015). Collection method: clinical testing. Allele origin: germline.

Blueprint Genetics
Classification: Likely benign. Last evaluated: 2024-08-28. Review status: criteria provided, single submitter. Criteria: ACMG Guidelines, 2015. Collection method: clinical testing. Allele origin: germline.

Genome-Nilou Lab
Classification: Benign for Ehlers-Danlos syndrome, classic type, 1. Last evaluated: 2022-03-15. Review status: criteria provided, single submitter. Criteria: ACMG Guidelines, 2015. Collection method: clinical testing. Allele origin: germline. Affected: no.

Genome-Nilou Lab
Classification: Benign for Fibromuscular dysplasia, multifocal. Last evaluated: 2022-03-15. Review status: criteria provided, single submitter. Criteria: ACMG Guidelines, 2015. Collection method: clinical testing. Allele origin: germline. Affected: no.

ARUP Laboratories, Molecular Genetics and Genomics, ARUP Laboratories
Classification: Benign. Last evaluated: 2020-11-10. Review status: criteria provided, single submitter. Criteria: ARUP Molecular Germline Variant Investigation Process 2021. Collection method: clinical testing. Allele origin: germline.

Ambry Genetics
Classification: Likely benign for Familial thoracic aortic aneurysm and aortic dissection. Last evaluated: 2020-02-12. Review status: criteria provided, single submitter. Criteria: Ambry Variant Classification Scheme 2023. Collection method: clinical testing. Allele origin: germline.

GeneDx
Classification: Benign. Last evaluated: 2015-04-28. Review status: criteria provided, single submitter. Criteria: GeneDx Variant Classification (06012015). Collection method: clinical testing. Allele origin: germline. Affected: yes.
Comment: This variant is considered likely benign or benign based on one or more of the following criteria: it is a conservative change, it occurs at a poorly conserved position in the protein, it is predicted to be benign by multiple in silico algorithms, and/or has population frequency not consistent with disease.